The following is an entry in ClinVar:

NM_003383.5(VLDLR):c.325+1G>A

Gene: VLDLR (very low density lipoprotein receptor; plus strand). Cytogenetic location: 9p24.2.
Variant type: single nucleotide variant.
Coding change: c.325+1G>A on transcript NM_003383.5 (MANE Select); the canonical splice donor site of the intron after coding-DNA position 325, G replaced by A.
Molecular consequence: splice donor variant.
Genome position (GRCh38, 1-based): chr9:2,639,982, G>A. VCF-style: chr9-2639982-G-A. GRCh37 (hg19) VCF-style: chr9-2639982-G-A.
Other names: c.325+1G>A (NM_001018056.3, NM_001322225.2, NM_001322226.2).
Identifiers: ClinVar variation 2445903 (VCV002445903.6), dbSNP rs778298702, ClinGen allele CA4964484.

ClinVar aggregate classification (germline): Conflicting classifications of pathogenicity. Review status: criteria provided, conflicting classifications (1 of 4 stars). 4 submissions from 4 submitters: Likely pathogenic (3); Uncertain significance (1). Last evaluated 2024-06-04.

Conditions:
Cerebellar ataxia, impaired intellectual development, and dysequilibrium syndrome 1. Also called: VLDLR Cerebellar Hypoplasia; Cerebellar hypoplasia and mental retardation with or without quadrupedal locomotion 1; CEREBELLAR ATAXIA AND MENTAL RETARDATION WITH OR WITHOUT QUADRUPEDAL LOCOMOTION 1; CEREBELLAR ATAXIA, CONGENITAL, AND MENTAL RETARDATION, AUTOSOMAL RECESSIVE; Cerebellar ataxia, intellectual disability, and dysequilibrium syndrome 1; Cerebellar ataxia, mental retardation, and dysequilibrium syndrome 1. Identifiers: Orphanet 1766, MedGen C4551552, MONDO:0024542, OMIM 224050.

Allele frequency attached by ClinVar (database versions not stated): gnomAD 0.00001; TOPMed 0.00001; gnomAD exomes 0.00002; ExAC 0.00005.
gnomAD v4.1: 26 of 1,614,056 alleles (0.0016%); highest among the groups gnomAD compares: South Asian, 0.0022%; no homozygotes.

Submissions (4):

Fulgent Genetics
Classification: Likely pathogenic for Cerebellar ataxia, impaired intellectual development, and dysequilibrium syndrome 1. Last evaluated: 2024-06-04. Review status: criteria provided, single submitter. Criteria: ACMG Guidelines, 2015. Collection method: clinical testing. Allele origin: germline.

Labcorp Genetics (formerly Invitae), Labcorp
Classification: Likely pathogenic. Last evaluated: 2023-06-27. Review status: criteria provided, single submitter. Criteria: Invitae Variant Classification Sherloc (09022015). Collection method: clinical testing. Allele origin: germline.
Comment: This variant has not been reported in the literature in individuals affected with VLDLR-related conditions. This sequence change affects a donor splice site in intron 3 of the VLDLR gene. It is expected to disrupt RNA splicing. Variants that disrupt the donor or acceptor splice site typically lead to a loss of protein function (PMID: 16199547), and loss-of-function variants in VLDLR are known to be pathogenic (PMID: 18043714, 18326629, 22532556). This variant is present in population databases (rs778298702, gnomAD 0.01%). ClinVar contains an entry for this variant (Variation ID: 2445903). Algorithms developed to predict the effect of sequence changes on RNA splicing suggest that this variant may disrupt the consensus splice site. In summary, the currently available evidence indicates that the variant is pathogenic, but additional data are needed to prove that conclusively. Therefore, this variant has been classified as Likely Pathogenic.

Women's Health and Genetics/Laboratory Corporation of America, LabCorp
Classification: Likely pathogenic for Cerebellar ataxia, impaired intellectual development, and dysequilibrium syndrome 1. Last evaluated: 2023-02-18. Review status: criteria provided, single submitter. Criteria: LabCorp Variant Classification Summary - May 2015. Collection method: clinical testing. Allele origin: germline.
Comment: Variant summary: VLDLR c.325+1G>A is located in a canonical splice-site and is predicted to affect mRNA splicing resulting in a significantly altered protein due to either exon skipping, shortening, or inclusion of intronic material. Several computational tools predict a significant impact on normal splicing: Four predict the variant abolishes a canonical 5' splicing donor site. However, these predictions have yet to be confirmed by functional studies. The variant allele was found at a frequency of 2.4e-05 in 251478 control chromosomes (gnomAD). To our knowledge, no occurrence of c.325+1G>A in individuals affected with Cerebellar Ataxia, Intellectual Disability, And Dysequilibrium Syndrome 1 and no experimental evidence demonstrating its impact on protein function have been reported. No clinical diagnostic laboratories have submitted clinical-significance assessments for this variant to ClinVar after 2014. Based on the evidence outlined above, the variant was classified as likely pathogenic.

Blueprint Genetics
Classification: Uncertain significance. Last evaluated: 2022-03-15. Review status: criteria provided, single submitter. Criteria: ACMG Guidelines, 2015. Collection method: clinical testing. Allele origin: germline.

Literature cited by the submitters: PubMed 16199547 (cited by Labcorp Genetics (formerly Invitae), Labcorp); PubMed 18043714 (cited by Labcorp Genetics (formerly Invitae), Labcorp); PubMed 18326629 (cited by Labcorp Genetics (formerly Invitae), Labcorp); PubMed 22532556 (cited by Labcorp Genetics (formerly Invitae), Labcorp).